The following is an entry in ClinVar:

NM_005751.5(AKAP9):c.1105A>G (p.Lys369Glu)

Gene: AKAP9 (A-kinase anchoring protein 9; plus strand). Cytogenetic location: 7q21.2.
Variant type: single nucleotide variant.
Coding change: c.1105A>G on transcript NM_005751.5 (MANE Select); coding-DNA position 1105, A replaced by G.
Protein change: p.Lys369Glu; replaces lysine 369 with glutamic acid.
Molecular consequence: missense variant.
Genome position (GRCh38, 1-based): chr7:92,001,022, A>G. VCF-style: chr7-92001022-A-G. GRCh37 (hg19) VCF-style: chr7-91630336-A-G.
Other names: c.1105A>G, p.Lys369Glu (NM_147185.3); short protein forms K369E.
Identifiers: ClinVar variation 1793518 (VCV001793518.2), dbSNP rs2484688980, ClinGen allele CA368121017.

ClinVar aggregate classification (germline): Uncertain significance (1 of 4 stars; one submission).

Conditions:
Cardiovascular phenotype. Identifiers: MedGen CN230736.

Submission:

Ambry Genetics
Classification: Uncertain significance for Cardiovascular phenotype. Last evaluated: 2020-12-02. Review status: criteria provided, single submitter. Criteria: Ambry Variant Classification Scheme 2023. Collection method: clinical testing. Allele origin: germline.
Comment: The p.K369E variant (also known as c.1105A>G), located in coding exon 8 of the AKAP9 gene, results from an A to G substitution at nucleotide position 1105. The lysine at codon 369 is replaced by glutamic acid, an amino acid with similar properties. This amino acid position is not well conserved in available vertebrate species. In addition, this alteration is predicted to be tolerated by in silico analysis. Since supporting evidence is limited at this time, the clinical significance of this alteration remains unclear.